The following is an entry in ClinVar:

ClinVar aggregate classification (germline): Pathogenic (1 of 4 stars; one submission).

Conditions:
Hereditary cancer-predisposing syndrome. Also called: Tumor predisposition; Hereditary neoplastic syndrome; Neoplastic Syndromes, Hereditary; Hereditary Cancer Syndrome. Identifiers: Orphanet 140162, MedGen C0027672, MeSH D009386, MONDO:0015356.

Submission:

Ambry Genetics
Classification: Pathogenic for Hereditary cancer-predisposing syndrome. Last evaluated: 2025-04-15. Review status: criteria provided, single submitter. Criteria: Ambry Variant Classification Scheme 2023. Collection method: clinical testing. Allele origin: germline.
Comment: The c.3971dupA pathogenic mutation, located in coding exon 10 of the BRCA2 gene, results from a duplication of A at nucleotide position 3971, causing a translational frameshift with a predicted alternate stop codon (p.Y1324*). This variant is considered to be rare based on population cohorts in the Genome Aggregation Database (gnomAD). This alteration is expected to result in loss of function by premature protein truncation or nonsense-mediated mRNA decay. As such, this alteration is interpreted as a disease-causing mutation.

NM_000059.4(BRCA2):c.3971dup (p.Tyr1324Ter)

Gene: BRCA2 (BRCA2 DNA repair associated; plus strand). Cytogenetic location: 13q13.1.
Variant type: Duplication.
Coding change: c.3971dup on transcript NM_000059.4 (MANE Select); coding-DNA position 3971, one base duplicated (A; older notation c.3971dupA).
Protein change: p.Tyr1324Ter; replaces tyrosine 1324 with a stop codon.
Molecular consequence: nonsense. On other transcripts: frameshift variant (1), non-coding transcript variant (1), intron variant (2).
Genome position (GRCh38, 1-based): chr13:32,338,326, A duplicated. VCF-style (leftmost placement, unchanged base first): chr13-32338325-T-TA. GRCh37 (hg19) VCF-style: chr13-32912462-T-TA.
Other names: c.3971dupA (NM_000059.3); c.3971dup, p.Tyr1324Ter (NM_001406719.1, NM_001406720.1, NM_001432077.1); c.1909+4939dup (NM_001406721.1); c.425-6232dup (NM_001406722.1); short protein forms Y1324*.
Identifiers: ClinVar variation 3992765 (VCV003992765.1).